The following is an entry in ClinVar:

NM_197968.4(ZMYM2):c.2942C>G (p.Ser981Ter)

Gene: ZMYM2 (zinc finger MYM-type containing 2; plus strand). Cytogenetic location: 13q12.11.
Variant type: single nucleotide variant.
Coding change: c.2942C>G on transcript NM_197968.4 (MANE Select); coding-DNA position 2942, C replaced by G.
Protein change: p.Ser981Ter; replaces serine 981 with a stop codon.
Molecular consequence: nonsense. On other transcripts: non-coding transcript variant (1).
Genome position (GRCh38, 1-based): chr13:20,062,876, C>G. VCF-style: chr13-20062876-C-G. GRCh37 (hg19) VCF-style: chr13-20637016-C-G.
Other names: c.2942C>G, p.Ser981Ter (NM_001190964.4, NM_001190965.4, NM_001353157.2 and 5 more transcripts); c.2747C>G, p.Ser916Ter (NM_001353161.3); c.2681C>G, p.Ser894Ter (NM_001353163.2); short protein forms S894*, S916*, S981*.
Identifiers: ClinVar variation 4855698 (VCV004855698.1).
Genomic context (GRCh38, chr13:20,062,876, plus strand): 5'-ATTCCTAATGATAATATGGATTGATTTCAGGTGTAATTATTGAAACAGATATAATTGGTT[C>G]AGACCTTTTGAAGAACTCTGACCCAGAGACACAGTCCAGCATGCCTGATGTACCATATGA-3'

ClinVar aggregate classification (germline): Likely pathogenic (1 of 4 stars; one submission).

Conditions:
Neurodevelopmental-craniofacial syndrome with variable renal and cardiac abnormalities. Identifiers: MedGen C5561984, MONDO:0859190, OMIM 619522.

Submission:

3billion
Classification: Likely pathogenic for Neurodevelopmental-craniofacial syndrome with variable renal and cardiac abnormalities. Last evaluated: 2025-06-25. Review status: criteria provided, single submitter. Criteria: ACMG Guidelines, 2015. Collection method: clinical testing. Allele origin: germline. Affected: yes.
Comment: The variant is not observed in the gnomAD v4.1.0 dataset. Predicted Consequence/Location: Stop-gained (nonsense): predicted to result in a loss or disruption of normal protein function through nonsense-mediated decay (NMD) or protein truncation. Multiple pathogenic variants are reported downstream of the variant. Therefore, this variant is classified as Likely pathogenic according to the recommendation of ACMG/AMP guideline.